The following is an entry in ClinVar:

ClinVar aggregate classification (germline): Likely benign (1 of 4 stars; one submission).

gnomAD v4.1: 9 of 1,600,350 alleles (0.00056%); highest among the groups gnomAD compares: East Asian, 0.0067%; no homozygotes.

Submission:

CeGaT Center for Human Genetics Tuebingen
Classification: Likely benign. Last evaluated: 2025-11-01. Review status: criteria provided, single submitter. Criteria: CeGaT Center For Human Genetics Tuebingen Variant Classification Criteria Version 2. Collection method: clinical testing. Allele origin: germline. Affected: yes. Observed: 1 variant allele.
Comment: TRIO: BP4

NM_007118.4(TRIO):c.7556C>T (p.Pro2519Leu)

Gene: TRIO (trio Rho guanine nucleotide exchange factor; plus strand). Cytogenetic location: 5p15.2.
Variant type: single nucleotide variant.
Coding change: c.7556C>T on transcript NM_007118.4 (MANE Select); coding-DNA position 7556, C replaced by T.
Protein change: p.Pro2519Leu; replaces proline 2519 with leucine.
Molecular consequence: missense variant.
Genome position (GRCh38, 1-based): chr5:14,488,184, C>T. VCF-style: chr5-14488184-C-T. GRCh37 (hg19) VCF-style: chr5-14488293-C-T.
Other names: short protein forms P2519L.
Identifiers: ClinVar variation 4534741 (VCV004534741.6).
Genomic context (GRCh38, chr5:14,488,184, plus strand): 5'-CCTTCACCTTCCCGGGGGACAGCGACTCCCTCCAGCGGCAGACACCCCGCCACGCGGCCC[C>T]TGGCAAGGATACTGACCGCATGAGCACGTGCTCCTCGGCCAGCGAGCAGTCCGTGCAGTC-3'
Protein context (NP_009049.2, residues 2509-2529): LQRQTPRHAA[Pro2519Leu]GKDTDRMSTC